The following is an entry in ClinVar:

NM_025114.4(CEP290):c.6062A>C (p.Gln2021Pro)

Gene: CEP290 (centrosomal protein 290; minus strand). Cytogenetic location: 12q21.32.
Variant type: single nucleotide variant.
Coding change: c.6062A>C on transcript NM_025114.4 (MANE Select); coding-DNA position 6062, A replaced by C.
Protein change: p.Gln2021Pro; replaces glutamine 2021 with proline.
Molecular consequence: missense variant.
Genome position (GRCh38, 1-based): chr12:88,068,595, T>G on the plus strand (A>C on the coding strand, the complement: CEP290 is on the minus strand). VCF-style: chr12-88068595-T-G. GRCh37 (hg19) VCF-style: chr12-88462372-T-G.
Other names: short protein forms Q2021P.
Identifiers: ClinVar variation 2067462 (VCV002067462.2), dbSNP rs2499676707, ClinGen allele CA385982235.

ClinVar aggregate classification (germline): Uncertain significance. Review status: criteria provided, multiple submitters, no conflicts (2 of 4 stars). 2 submissions from 2 submitters: Uncertain significance (2). Last evaluated 2024-05-13.

Conditions:
Joubert syndrome. Also called: CEREBELLOPARENCHYMAL DISORDER IV; JOUBERT-BOLTSHAUSER SYNDROME; Familial aplasia of the vermis. Identifiers: Orphanet 475, MedGen C5979921, MONDO:0018772.
Nephronophthisis. Also called: Juvenile Nephronophthisis. Identifiers: Orphanet 655, MedGen C0687120, MONDO:0019005, HP:0000090.
Meckel-Gruber syndrome. Also called: DYSENCEPHALIA SPLANCHNOCYSTICA; GRUBER SYNDROME; Dysencephalia splachnocystica. Identifiers: Orphanet 564, MedGen C0265215, MONDO:0018921.
Joubert syndrome 5 (JBTS5). Identifiers: Orphanet 2318, MedGen C1857780, MONDO:0012432, OMIM 610188.
Senior-Loken syndrome 6 (SLSN6). Identifiers: Orphanet 3156, MedGen C1857779, MONDO:0012433, OMIM 610189.
Bardet-Biedl syndrome 14 (BBS14). Identifiers: Orphanet 110, MedGen C2673874, MONDO:0014442, OMIM 615991.
Leber congenital amaurosis 10 (LCA10). Identifiers: Orphanet 65, MedGen C1857821, MONDO:0012723, OMIM 611755.
Meckel syndrome, type 4 (MKS4). Also called: MECKEL-GRUBER SYNDROME, TYPE 4. Identifiers: Orphanet 564, MedGen C1970161, MONDO:0012626, OMIM 611134.

Allele frequency attached by ClinVar (database versions not stated): gnomAD exomes below 0.00001.
gnomAD v4.1: 1 of 1,590,986 alleles (0.000063%); highest among the groups gnomAD compares: Admixed American, 0.0018%; no homozygotes.

Submissions (2):

Fulgent Genetics
Classification: Uncertain significance for Joubert syndrome 5; Senior-Loken syndrome 6; Meckel syndrome, type 4; Leber congenital amaurosis 10; Bardet-Biedl syndrome 14. Last evaluated: 2024-05-13. Review status: criteria provided, single submitter. Criteria: ACMG Guidelines, 2015. Collection method: clinical testing. Allele origin: germline.

Labcorp Genetics (formerly Invitae), Labcorp
Classification: Uncertain significance for Joubert syndrome; Meckel-Gruber syndrome; Nephronophthisis. Last evaluated: 2022-07-09. Review status: criteria provided, single submitter. Criteria: Invitae Variant Classification Sherloc (09022015). Collection method: clinical testing. Allele origin: germline.
Comment: This sequence change replaces glutamine, which is neutral and polar, with proline, which is neutral and non-polar, at codon 2021 of the CEP290 protein (p.Gln2021Pro). This variant is not present in population databases (gnomAD no frequency). This variant has not been reported in the literature in individuals affected with CEP290-related conditions. Algorithms developed to predict the effect of missense changes on protein structure and function are either unavailable or do not agree on the potential impact of this missense change (SIFT: "Deleterious"; PolyPhen-2: "Possibly Damaging"; Align-GVGD: "Class C15"). In summary, the available evidence is currently insufficient to determine the role of this variant in disease. Therefore, it has been classified as a Variant of Uncertain Significance.